The following is an entry in ClinVar:

ClinVar aggregate classification (germline): Uncertain significance (1 of 4 stars; one submission).

Allele frequency attached by ClinVar (database versions not stated): gnomAD exomes below 0.00001.
gnomAD v4.1: 4 of 1,613,534 alleles (0.00025%); highest among the groups gnomAD compares: Non-Finnish European, 0.00034%; no homozygotes.

Submission:

Labcorp Genetics (formerly Invitae), Labcorp
Classification: Uncertain significance. Last evaluated: 2024-12-02. Review status: criteria provided, single submitter. Criteria: Invitae Variant Classification Sherloc (09022015). Collection method: clinical testing. Allele origin: germline.
Comment: This sequence change replaces aspartic acid, which is acidic and polar, with glycine, which is neutral and non-polar, at codon 381 of the FOXRED1 protein (p.Asp381Gly). This variant is not present in population databases (gnomAD no frequency). This variant has not been reported in the literature in individuals affected with FOXRED1-related conditions. ClinVar contains an entry for this variant (Variation ID: 2131470). Invitae Evidence Modeling of protein sequence and biophysical properties (such as structural, functional, and spatial information, amino acid conservation, physicochemical variation, residue mobility, and thermodynamic stability) indicates that this missense variant is not expected to disrupt FOXRED1 protein function with a negative predictive value of 80%. In summary, the available evidence is currently insufficient to determine the role of this variant in disease. Therefore, it has been classified as a Variant of Uncertain Significance.

NM_017547.4(FOXRED1):c.1142A>G (p.Asp381Gly)

Gene: FOXRED1 (FAD dependent oxidoreductase domain containing 1; plus strand). Cytogenetic location: 11q24.2.
Variant type: single nucleotide variant.
Coding change: c.1142A>G on transcript NM_017547.4 (MANE Select); coding-DNA position 1142, A replaced by G.
Protein change: p.Asp381Gly; replaces aspartic acid 381 with glycine.
Molecular consequence: missense variant. On other transcripts: non-coding transcript variant (2).
Genome position (GRCh38, 1-based): chr11:126,277,111, A>G. VCF-style: chr11-126277111-A-G. GRCh37 (hg19) VCF-style: chr11-126147006-A-G.
Other names: short protein forms D381G.
Identifiers: ClinVar variation 2131470 (VCV002131470.4), dbSNP rs2497202599, ClinGen allele CA383231178.